The following is an entry in ClinVar:

NM_003322.6(TULP1):c.139G>T (p.Glu47Ter)

Gene: TULP1 (TUB like protein 1; minus strand). Cytogenetic location: 6p21.31.
Variant type: single nucleotide variant.
Coding change: c.139G>T on transcript NM_003322.6 (MANE Select); coding-DNA position 139, G replaced by T.
Protein change: p.Glu47Ter; replaces glutamic acid 47 with a stop codon.
Molecular consequence: nonsense.
Genome position (GRCh38, 1-based): chr6:35,512,231, C>A on the plus strand (G>T on the coding strand, the complement: TULP1 is on the minus strand). VCF-style: chr6-35512231-C-A. GRCh37 (hg19) VCF-style: chr6-35480008-C-A.
Other names: c.139G>T, p.Glu47Ter (NM_001289395.2); short protein forms E47*.
Identifiers: ClinVar variation 932141 (VCV000932141.3), dbSNP rs1761224205, ClinGen allele CA363785046.

ClinVar aggregate classification (germline): Likely pathogenic (1 of 4 stars; one submission).

Conditions:
Leber congenital amaurosis 15 (LCA15). Identifiers: Orphanet 65, MedGen C3151206, MONDO:0013457, OMIM 613843.

Allele frequency attached by ClinVar (database versions not stated): TOPMed below 0.00001.

Submission:

Centre for Mendelian Genomics, University Medical Centre Ljubljana
Classification: Likely pathogenic for Leber congenital amaurosis 15. Last evaluated: 2019-08-22. Review status: criteria provided, single submitter. Criteria: ACMG Guidelines, 2015. Collection method: clinical testing. Allele origin: unknown. Affected: yes.
Comment: This variant was classified as: Likely pathogenic. The following ACMG criteria were applied in classifying this variant: PVS1,PM2.